The following is an entry in ClinVar:

NM_007315.4(STAT1):c.265A>T (p.Asn89Tyr)

Gene: STAT1 (signal transducer and activator of transcription 1; minus strand). Cytogenetic location: 2q32.2.
Variant type: single nucleotide variant.
Coding change: c.265A>T on transcript NM_007315.4 (MANE Select); coding-DNA position 265, A replaced by T.
Protein change: p.Asn89Tyr; replaces asparagine 89 with tyrosine.
Molecular consequence: missense variant.
Genome position (GRCh38, 1-based): chr2:191,008,971, T>A on the plus strand (A>T on the coding strand, the complement: STAT1 is on the minus strand). VCF-style: chr2-191008971-T-A. GRCh37 (hg19) VCF-style: chr2-191873697-T-A.
Other names: c.265A>T, p.Asn89Tyr (NM_001384880.1, NM_001384882.1, NM_001384883.1 and 8 more transcripts); c.271A>T, p.Asn91Tyr (NM_001384881.1, NM_001384884.1); c.301A>T, p.Asn101Tyr (NM_001384891.1); short protein forms N101Y, N89Y, N91Y.
Identifiers: ClinVar variation 4884326 (VCV004884326.1).

ClinVar aggregate classification (germline): Likely pathogenic (1 of 4 stars; one submission).

Conditions:
Autoimmune enteropathy and endocrinopathy - susceptibility to chronic infections syndrome. Also called: Immunodeficiency 31C, autosomal dominant; Immunodeficiency 31C. Identifiers: Orphanet 391487, MedGen C3279990, MONDO:0013599, OMIM 614162.

Submission:

Laboratory of Clinical Immunology, Infection and Allergy, Faculty of Medicine and Pharmacy of Casablanca, University of Hassan II Casablanca
Classification: Likely pathogenic for Autoimmune enteropathy and endocrinopathy - susceptibility to chronic infections syndrome. Last evaluated: 2026-08-11. Review status: criteria provided, single submitter. Criteria: ACMG Guidelines, 2015. Collection method: clinical testing. Allele origin: germline. Affected: yes. Observed: 1 variant allele.
Comment: This missense change replaces asparagine with tyrosine at position 89 of the STAT1 protein, within the N-terminal domain, a region involved in the formation of STAT1 tetramers. The variant is absent from population databases, including gnomAD (PM2). It has been reported previously in unrelated individuals with chronic mucocutaneous candidiasis (PMID:33796866; 39175777) (PS4_Moderate). Computational tools predict a damaging effect (CADD 22.4) (PP3). Functional studies of this substitution have not been performed by our laboratory. In summary, on the basis of PS4_Moderate, PM2, PP3 and PP4, this variant is classified as Likely pathogenic.

Literature cited by the submitters: PubMed 33796866; PubMed 39175777.